The following is an entry in ClinVar:

NM_000051.4(ATM):c.9059T>A (p.Val3020Glu)

Genes: ATM (ATM serine/threonine kinase; plus strand), C11orf65 (chromosome 11 open reading frame 65; minus strand). Cytogenetic location: 11q22.3.
Variant type: single nucleotide variant.
Coding change: c.9059T>A on transcript NM_000051.4 (MANE Select); coding-DNA position 9059, T replaced by A.
Protein change: p.Val3020Glu; replaces valine 3020 with glutamic acid.
Molecular consequence: missense variant. On other transcripts: intron variant (2).
Genome position (GRCh38, 1-based): chr11:108,365,396, T>A. VCF-style: chr11-108365396-T-A. GRCh37 (hg19) VCF-style: chr11-108236123-T-A.
Other names: c.9059T>A, p.Val3020Glu (NM_001351834.2); c.640+20524A>T (NM_001330368.2); c.694+20524A>T (NM_001351110.2); short protein forms V3020E.
Identifiers: ClinVar variation 2774734 (VCV002774734.1), dbSNP rs2137914277, ClinGen allele CA382531579.

ClinVar aggregate classification (germline): Uncertain significance (1 of 4 stars; one submission).

Conditions:
Hereditary cancer-predisposing syndrome. Also called: Tumor predisposition; Neoplastic Syndromes, Hereditary; Hereditary Cancer Syndrome; Hereditary neoplastic syndrome. Identifiers: Orphanet 140162, MedGen C0027672, MeSH D009386, MONDO:0015356.

Submission:

Color Diagnostics, LLC DBA Color Health
Classification: Uncertain significance for Hereditary cancer-predisposing syndrome. Last evaluated: 2023-07-10. Review status: criteria provided, single submitter. Criteria: ACMG Guidelines, 2015. Collection method: clinical testing. Allele origin: germline.
Comment: This missense variant replaces valine with glutamic acid at codon 3020 of the ATM protein. Computational prediction is inconclusive regarding the impact of this variant on protein structure and function (internally defined REVEL score threshold 0.5 < inconclusive < 0.7, PMID: 27666373). To our knowledge, functional studies have not been reported for this variant. This variant has not been reported in individuals affected with ATM-related disorders in the literature. This variant has not been identified in the general population by the Genome Aggregation Database (gnomAD). The available evidence is insufficient to determine the role of this variant in disease conclusively. Therefore, this variant is classified as a Variant of Uncertain Significance.